The following is an entry in ClinVar:

ClinVar aggregate classification (germline): Conflicting classifications of pathogenicity. Review status: criteria provided, conflicting classifications (1 of 4 stars). 4 submissions from 4 submitters: Uncertain significance (2); Likely benign (1). 1 of the submissions does not count toward it. Last evaluated 2026-03-09.

Conditions:
Hereditary cancer-predisposing syndrome. Also called: Neoplastic Syndromes, Hereditary; Tumor predisposition; Hereditary neoplastic syndrome; Hereditary Cancer Syndrome. Identifiers: Orphanet 140162, MedGen C0027672, MeSH D009386, MONDO:0015356.
SUFU-related disorder. Also called: SUFU-related condition; SUFU-related disorders.
Gorlin syndrome. Also called: Basal cell nevus syndrome; Nevoid Basal Cell Carcinoma Syndrome. Identifiers: Orphanet 377, MedGen C0004779, MONDO:0007187.
Medulloblastoma (MDB). Also called: Medulloblastoma, somatic; MEDULLOBLASTOMA PREDISPOSITION SYNDROME. Identifiers: Orphanet 616, MedGen C0025149, MeSH D008527, MONDO:0007959, OMIM 155255, HP:0002885.

Allele frequency attached by ClinVar (database versions not stated): gnomAD exomes 0.00001; TOPMed 0.00001; 1000 Genomes Project 0.00020; ExAC 0.00002; gnomAD 0.00003 and 0.00002; 1000 Genomes Project 30x 0.00016.
gnomAD v4.1: 19 of 1,614,180 alleles (0.0012%); highest among the groups gnomAD compares: East Asian, 0.0022%; no homozygotes.

Submissions (4):

Ambry Genetics
Classification: Likely benign for Hereditary cancer-predisposing syndrome. Last evaluated: 2026-03-09. Review status: criteria provided, single submitter. Criteria: Ambry Variant Classification Scheme 2023. Collection method: clinical testing. Allele origin: germline.

Labcorp Genetics (formerly Invitae), Labcorp
Classification: Uncertain significance for Gorlin syndrome; Medulloblastoma. Last evaluated: 2026-01-12. Review status: criteria provided, single submitter. Criteria: Invitae Variant Classification Sherloc (09022015). Collection method: clinical testing. Allele origin: germline.
Comment: This sequence change replaces arginine, which is basic and polar, with glutamine, which is neutral and polar, at codon 224 of the SUFU protein (p.Arg224Gln). This variant is present in population databases (rs199673680, gnomAD 0.006%). This variant has not been reported in the literature in individuals affected with SUFU-related conditions. ClinVar contains an entry for this variant (Variation ID: 453972). Invitae Evidence Modeling of protein sequence and biophysical properties (such as structural, functional, and spatial information, amino acid conservation, physicochemical variation, residue mobility, and thermodynamic stability) indicates that this missense variant is not expected to disrupt SUFU protein function with a negative predictive value of 80%. In summary, the available evidence is currently insufficient to determine the role of this variant in disease. Therefore, it has been classified as a Variant of Uncertain Significance.

GeneDx
Classification: Uncertain significance. Last evaluated: 2024-03-28. Review status: criteria provided, single submitter. Criteria: GeneDx Variant Classification Process June 2021. Collection method: clinical testing. Allele origin: germline. Affected: yes.
Comment: Not observed at significant frequency in large population cohorts (gnomAD); In silico analysis supports that this missense variant does not alter protein structure/function; Has not been previously published as pathogenic or benign to our knowledge; This variant is associated with the following publications: (PMID: 24311597)

PreventionGenetics, part of Exact Sciences
Classification: Uncertain significance for SUFU-related condition. Last evaluated: 2024-03-14. Review status: no assertion criteria provided. Collection method: clinical testing. Allele origin: germline. Not counted in ClinVar's aggregate classification.
Comment: The SUFU c.671G>A variant is predicted to result in the amino acid substitution p.Arg224Gln. To our knowledge, this variant has not been reported in the literature. This variant is reported in 0.0018% of alleles in individuals of European (Non-Finnish) descent in gnomAD. At this time, the clinical significance of this variant is uncertain due to the absence of conclusive functional and genetic evidence.

NM_016169.4(SUFU):c.671G>A (p.Arg224Gln)

Gene: SUFU (SUFU negative regulator of hedgehog signaling; plus strand). Cytogenetic location: 10q24.32.
Variant type: single nucleotide variant.
Coding change: c.671G>A on transcript NM_016169.4 (MANE Select); coding-DNA position 671, G replaced by A.
Protein change: p.Arg224Gln; replaces arginine 224 with glutamine.
Molecular consequence: missense variant.
Genome position (GRCh38, 1-based): chr10:102,593,709, G>A. VCF-style: chr10-102593709-G-A. GRCh37 (hg19) VCF-style: chr10-104353466-G-A.
Other names: c.671G>A, p.Arg224Gln (NM_001178133.2); short protein forms R224Q.
Identifiers: ClinVar variation 453972 (VCV000453972.19), dbSNP rs199673680, ClinGen allele CA5667739.